The following is an entry in ClinVar:

NM_001458.5(FLNC):c.5524G>A (p.Gly1842Ser)

Genes: FLNC (filamin C; plus strand), FLNC-AS1 (FLNC antisense RNA 1; minus strand). Cytogenetic location: 7q32.1.
Variant type: single nucleotide variant.
Coding change: c.5524G>A on transcript NM_001458.5 (MANE Select); coding-DNA position 5524, G replaced by A.
Protein change: p.Gly1842Ser; replaces glycine 1842 with serine.
Molecular consequence: missense variant.
Genome position (GRCh38, 1-based): chr7:128,850,928, G>A. VCF-style: chr7-128850928-G-A. GRCh37 (hg19) VCF-style: chr7-128490982-G-A.
Other names: c.5425G>A, p.Gly1809Ser (NM_001127487.2); short protein forms G1809S, G1842S.
Identifiers: ClinVar variation 948412 (VCV000948412.15), dbSNP rs756880490, ClinGen allele CA4475714.

ClinVar aggregate classification (germline): Uncertain significance. Review status: criteria provided, multiple submitters, no conflicts (2 of 4 stars). 5 submissions from 5 submitters: Uncertain significance (5). Last evaluated 2026-06-12.

Conditions:
Distal myopathy with posterior leg and anterior hand involvement. Also called: WILLIAMS DISTAL MYOPATHY. Identifiers: Orphanet 63273, MedGen C3279722, MONDO:0013550, OMIM 614065.
Myofibrillar myopathy 5. Also called: Filaminopathy (type); FILAMINOPATHY, AUTOSOMAL DOMINANT. Identifiers: Orphanet 171445, MedGen C1836050, MONDO:0012289, OMIM 609524.
Hypertrophic cardiomyopathy 26. Also called: Cardiomyopathy, familial hypertrophic, 26. Identifiers: Orphanet 75249, MedGen C4310749, MONDO:0014883, OMIM 617047.
Cardiovascular phenotype. Identifiers: MedGen CN230736.
FLNC-related disorder. Also called: FLNC-related condition; FLNC-related disorders.

Allele frequency attached by ClinVar (database versions not stated): ExAC 0.00001; gnomAD exomes 0.00001; TOPMed 0.00005.
gnomAD v4.1: 16 of 1,613,566 alleles (0.00099%); highest among the groups gnomAD compares: African/African-American, 0.008%; no homozygotes.

Submissions (5):

PreventionGenetics, part of Exact Sciences
Classification: Uncertain significance for FLNC-related condition. Last evaluated: 2026-06-12. Review status: criteria provided, single submitter. Criteria: ACMG Guidelines, 2015. Collection method: clinical testing. Allele origin: germline.
Comment: The FLNC c.5524G>A variant is predicted to result in the amino acid substitution p.Gly1842Ser. To our knowledge, this variant has not been reported in the literature. This variant is reported in 0.0041% of alleles in individuals of African descent in gnomAD. At this time, the clinical significance of this variant is uncertain due to the absence of conclusive functional and genetic evidence.

Labcorp Genetics (formerly Invitae), Labcorp
Classification: Uncertain significance for Distal myopathy with posterior leg and anterior hand involvement; Myofibrillar myopathy 5; Hypertrophic cardiomyopathy 26. Last evaluated: 2026-01-14. Review status: criteria provided, single submitter. Criteria: Invitae Variant Classification Sherloc (09022015). Collection method: clinical testing. Allele origin: germline.
Comment: This sequence change replaces glycine, which is neutral and non-polar, with serine, which is neutral and polar, at codon 1842 of the FLNC protein (p.Gly1842Ser). This variant is present in population databases (rs756880490, gnomAD 0.006%). This variant has not been reported in the literature in individuals affected with FLNC-related conditions. ClinVar contains an entry for this variant (Variation ID: 948412). Invitae Evidence Modeling of protein sequence and biophysical properties (such as structural, functional, and spatial information, amino acid conservation, physicochemical variation, residue mobility, and thermodynamic stability) has been performed for this missense variant. However, the output from this modeling did not meet the statistical confidence thresholds required to predict the impact of this variant on FLNC protein function. In summary, the available evidence is currently insufficient to determine the role of this variant in disease. Therefore, it has been classified as a Variant of Uncertain Significance.

Ambry Genetics
Classification: Uncertain significance for Cardiovascular phenotype. Last evaluated: 2024-10-11. Review status: criteria provided, single submitter. Criteria: Ambry Variant Classification Scheme 2023. Collection method: clinical testing. Allele origin: germline.

Neuberg Centre For Genomic Medicine, NCGM
Classification: Uncertain significance for Hypertrophic cardiomyopathy 26. Last evaluated: 2024-02-01. Review status: criteria provided, single submitter. Criteria: ACMG Guidelines, 2015. Collection method: clinical testing. Allele origin: germline. Inheritance: Autosomal dominant inheritance.

GeneDx
Classification: Uncertain significance. Last evaluated: 2022-08-09. Review status: criteria provided, single submitter. Criteria: GeneDx Variant Classification Process June 2021. Collection method: clinical testing. Allele origin: germline. Affected: yes.
Comment: Has not been previously published as pathogenic or benign to our knowledge; Not observed at significant frequency in large population cohorts (gnomAD); In silico analysis supports that this missense variant has a deleterious effect on protein structure/function